The following is an entry in ClinVar:

ClinVar aggregate classification (germline): Uncertain significance. Review status: criteria provided, multiple submitters, no conflicts (2 of 4 stars). 2 submissions from 2 submitters: Uncertain significance (2). Last evaluated 2025-08-21.

Conditions:
Inborn genetic diseases. Identifiers: MedGen C0950123, MeSH D030342.
Menkes kinky-hair syndrome (MNK). Also called: Copper transport disease; Menkes Disease; Classic Menkes Disease. Identifiers: Orphanet 565, MedGen C0022716, MONDO:0010651, OMIM 309400.
Cutis laxa, X-linked (OHS). Also called: EDS IX; Occipital horn syndrome. Identifiers: Orphanet 198, MedGen C0268353, MONDO:0010572, OMIM 304150.
X-linked distal spinal muscular atrophy type 3. Also called: SPINAL MUSCULAR ATROPHY, DISTAL, X-LINKED RECESSIVE; NEURONOPATHY, DISTAL HEREDITARY MOTOR, X-LINKED; NEUROPATHY, DISTAL HEREDITARY MOTOR, X-LINKED; ATP7A-Related Distal Motor Neuropathy. Identifiers: Orphanet 139557, MedGen C1845359, MONDO:0010338, OMIM 300489.

Allele frequency attached by ClinVar (database versions not stated): gnomAD 0.00001.
gnomAD v4.1: 1 of 1,210,343 alleles (0.000083%); highest among the groups gnomAD compares: Admixed American, 0.0022%; no homozygotes.

Submissions (2):

Ambry Genetics
Classification: Uncertain significance for Inborn genetic diseases. Last evaluated: 2025-08-21. Review status: criteria provided, single submitter. Criteria: Ambry Variant Classification Scheme 2023. Collection method: clinical testing. Allele origin: germline.

Labcorp Genetics (formerly Invitae), Labcorp
Classification: Uncertain significance for X-linked distal spinal muscular atrophy type 3; Cutis laxa, X-linked; Menkes kinky-hair syndrome. Last evaluated: 2024-02-24. Review status: criteria provided, single submitter. Criteria: Invitae Variant Classification Sherloc (09022015). Collection method: clinical testing. Allele origin: germline.
Comment: This sequence change replaces isoleucine, which is neutral and non-polar, with threonine, which is neutral and polar, at codon 863 of the ATP7A protein (p.Ile863Thr). This variant is not present in population databases (gnomAD no frequency). This variant has not been reported in the literature in individuals affected with ATP7A-related conditions. ClinVar contains an entry for this variant (Variation ID: 2160293). Advanced modeling of protein sequence and biophysical properties (such as structural, functional, and spatial information, amino acid conservation, physicochemical variation, residue mobility, and thermodynamic stability) performed at Invitae indicates that this missense variant is not expected to disrupt ATP7A protein function with a negative predictive value of 95%. In summary, the available evidence is currently insufficient to determine the role of this variant in disease. Therefore, it has been classified as a Variant of Uncertain Significance.

NM_000052.7(ATP7A):c.2588T>C (p.Ile863Thr)

Gene: ATP7A (ATPase copper transporting alpha; plus strand). Cytogenetic location: Xq21.1.
Variant type: single nucleotide variant.
Coding change: c.2588T>C on transcript NM_000052.7 (MANE Select); coding-DNA position 2588, T replaced by C.
Protein change: p.Ile863Thr; replaces isoleucine 863 with threonine.
Molecular consequence: missense variant.
Genome position (GRCh38, 1-based): chrX:78,015,843, T>C. VCF-style: chrX-78015843-T-C. GRCh37 (hg19) VCF-style: chrX-77271340-T-C.
Other names: c.2354T>C, p.Ile785Thr (NM_001282224.2); c.2588T>C (NM_000052.4); short protein forms I863T, I785T.
Identifiers: ClinVar variation 2160293 (VCV002160293.5), dbSNP rs2077859225, ClinGen allele CA413601130.
Genomic context (GRCh38, chrX:78,015,843, plus strand): 5'-AACGTGGAGATATCATTAAAGTAGTTCCAGGAGGCAAATTTCCAGTGGATGGTCGTGTTA[T>C]TGAAGGACATTCTATGGTAGATGAGTCCCTCATCACAGGTATGTTCTTTCAAAGGATCAT-3'
Protein context (NP_000043.4, residues 853-873): GGKFPVDGRV[Ile863Thr]EGHSMVDESL